The following is an entry in ClinVar:

NM_000540.3(RYR1):c.8213G>A (p.Arg2738Gln)

Gene: RYR1 (ryanodine receptor 1; plus strand). Cytogenetic location: 19q13.2.
Variant type: single nucleotide variant.
Coding change: c.8213G>A on transcript NM_000540.3 (MANE Select); coding-DNA position 8213, G replaced by A.
Protein change: p.Arg2738Gln; replaces arginine 2738 with glutamine.
Molecular consequence: missense variant.
Genome position (GRCh38, 1-based): chr19:38,504,893, G>A. VCF-style: chr19-38504893-G-A. GRCh37 (hg19) VCF-style: chr19-38995533-G-A.
Other names: c.8213G>A, p.Arg2738Gln (NM_001042723.2); short protein forms R2738Q.
Identifiers: ClinVar variation 575368 (VCV000575368.8), dbSNP rs766961940, ClinGen allele CA071650.
Genomic context (GRCh38, chr19:38,504,893, plus strand): 5'-CATACTCATCTAAGGCAGAGAAAAAGGCCACAGTGGATGCTGAAGGCAACTTTGATCCCC[G>A]GCCTGTGGAGACCCTCAAGTGAGGCCTGGGGGCTGGGAGACAGAGAGGAAGATTTCAGGG-3'
Protein context (NP_000531.2, residues 2728-2748): TVDAEGNFDP[Arg2738Gln]PVETLNVIIP

ClinVar aggregate classification (germline): Uncertain significance. Review status: criteria provided, multiple submitters, no conflicts (2 of 4 stars). 4 submissions from 4 submitters: Uncertain significance (4). Last evaluated 2024-05-30.

Conditions:
Malignant hyperthermia, susceptibility to, 1 (MHS1). Also called: Malignant hyperthermia suceptibility 1; RYR1-Related Malignant Hyperthermia Susceptibility; Anesthesia related hyperthermia; Malignant hyperpyrexia; Fulminating hyperpyrexia; Pharmacogenic myopathy. Identifiers: Orphanet 423, MedGen C2930980, MONDO:0007783, OMIM 145600.
Central core myopathy (CMYO1A). Also called: CONGENITAL MYOPATHY 1A, AUTOSOMAL DOMINANT, WITH SUSCEPTIBILITY TO MALIGNANT HYPERTHERMIA; Central core disease; Myopathy, central fibrillar. Identifiers: Orphanet 597, MedGen C5830701, MONDO:0007294, OMIM 117000.
King Denborough syndrome (KDS). Identifiers: MedGen C1840365, MONDO:0020485, OMIM 619542.
Congenital multicore myopathy with external ophthalmoplegia (CMYO1B). Also called: Minicore myopathy with external ophthalmoplegia; MULTIMINICORE DISEASE WITH EXTERNAL OPHTHALMOPLEGIA; Congenital myopathy 1B, autosomal recessive; Minicore myopathy; MULTICORE MYOPATHY. Identifiers: Orphanet 598, Orphanet 98905, MedGen C1850674, MONDO:0009712, OMIM 255320, HP:0003789.
Congenital myopathy with fiber type disproportion. Also called: Congenital fiber-type disproportion; Congenital fiber-type disproportion myopathy. Identifiers: Orphanet 2020, MedGen C0546264, MONDO:0009711. Inheritance: all.
RYR1-related disorder. Also called: RYR1-related disorders; RYR1-related condition. Identifiers: MedGen CN239331.

Allele frequency attached by ClinVar (database versions not stated): gnomAD exomes below 0.00001 and 0.00001; ExAC 0.00001; gnomAD 0.00001; TOPMed 0.00001.
gnomAD v4.1: 17 of 1,613,994 alleles (0.0011%); highest among the groups gnomAD compares: Non-Finnish European, 0.0014%; no homozygotes.

Submissions (4):

All of Us Research Program, National Institutes of Health
Classification: Uncertain significance for Malignant hyperthermia, susceptibility to, 1. Last evaluated: 2024-05-30. Review status: criteria provided, single submitter. Criteria: ACMG Guidelines, 2015. Collection method: clinical testing. Allele origin: germline. Inheritance: Autosomal dominant inheritance. Observed: 5 variant alleles, 5 heterozygotes.
Comment: This missense variant replaces arginine with glutamine at codon 2738 of the RYR1 protein. Computational prediction suggests that this variant may not impact protein structure and function (internally defined REVEL score threshold <= 0.5, PMID: 27666373). To our knowledge, functional studies have not been reported for this variant. This variant has not been reported in individuals affected with RYR1-related disorders in the literature. This variant has been identified in 1/251454 chromosomes in the general population by the Genome Aggregation Database (gnomAD). The available evidence is insufficient to determine the role of this variant in disease conclusively. Therefore, this variant is classified as a Variant of Uncertain Significance.

This study involves interpretation of variants in research participants for the purpose of population health screening. Participant phenotype was not available at the time of variant classification. Additional details can be found in publication PMID: 35346344, PMCID: PMC8962531

Color Diagnostics, LLC DBA Color Health
Classification: Uncertain significance for Malignant hyperthermia, susceptibility to, 1. Last evaluated: 2024-05-14. Review status: criteria provided, single submitter. Criteria: ACMG Guidelines, 2015. Collection method: clinical testing. Allele origin: germline.
Comment: This missense variant replaces arginine with glutamine at codon 2738 of the RYR1 protein. Computational prediction suggests that this variant may not impact protein structure and function. To our knowledge, functional studies have not been reported for this variant. This variant has not been reported in individuals affected with RYR1-related disorders in the literature. This variant has been identified in 1/251454 chromosomes in the general population by the Genome Aggregation Database (gnomAD). The available evidence is insufficient to determine the role of this variant in disease conclusively. Therefore, this variant is classified as a Variant of Uncertain Significance.

Labcorp Genetics (formerly Invitae), Labcorp
Classification: Uncertain significance for RYR1-related disorder. Last evaluated: 2022-10-18. Review status: criteria provided, single submitter. Criteria: Invitae Variant Classification Sherloc (09022015). Collection method: clinical testing. Allele origin: germline.
Comment: This sequence change replaces arginine, which is basic and polar, with glutamine, which is neutral and polar, at codon 2738 of the RYR1 protein (p.Arg2738Gln). This variant is present in population databases (rs766961940, gnomAD 0.0009%). This variant has not been reported in the literature in individuals affected with RYR1-related conditions. ClinVar contains an entry for this variant (Variation ID: 575368). Advanced modeling of protein sequence and biophysical properties (such as structural, functional, and spatial information, amino acid conservation, physicochemical variation, residue mobility, and thermodynamic stability) performed at Invitae indicates that this missense variant is not expected to disrupt RYR1 protein function. In summary, the available evidence is currently insufficient to determine the role of this variant in disease. Therefore, it has been classified as a Variant of Uncertain Significance.

Fulgent Genetics
Classification: Uncertain significance for Central core myopathy; Malignant hyperthermia, susceptibility to, 1; Congenital myopathy 4A, autosomal dominant; Congenital multicore myopathy with external ophthalmoplegia; King Denborough syndrome. Last evaluated: 2021-08-20. Review status: criteria provided, single submitter. Criteria: ACMG Guidelines, 2015. Collection method: clinical testing. Allele origin: unknown.